The following is an entry in ClinVar:

ClinVar aggregate classification (germline): Likely pathogenic (1 of 4 stars; one submission).

Conditions:
Fanconi anemia complementation group J. Also called: BRIP1-Related Fanconi Anemia. Identifiers: Orphanet 84, MedGen C1836860, MONDO:0012187, OMIM 609054.
Familial cancer of breast. Also called: BREAST CANCER, FAMILIAL; Hereditary breast cancer; hereditary breast carcinoma. Identifiers: Orphanet 227535, MedGen C0346153, MONDO:0016419, OMIM 114480. Disease mechanism: loss of function.

Allele frequency attached by ClinVar (database versions not stated): ExAC 0.00001.

Submission:

Labcorp Genetics (formerly Invitae), Labcorp
Classification: Likely pathogenic for Familial cancer of breast; Fanconi anemia complementation group J. Last evaluated: 2025-11-05. Review status: criteria provided, single submitter. Criteria: Invitae Variant Classification Sherloc (09022015). Collection method: clinical testing. Allele origin: germline.
Comment: This sequence change affects a donor splice site in intron 13 of the BRIP1 gene. It is expected to disrupt RNA splicing. Variants that disrupt the donor or acceptor splice site typically lead to a loss of protein function (PMID: 16199547), and loss-of-function variants in BRIP1 are known to be pathogenic (PMID: 16116423, 17033622, 21964575). This variant is not present in population databases (gnomAD no frequency). Disruption of this splice site has been observed in individual(s) with breast cancer (PMID: 26689913). ClinVar contains an entry for this variant (Variation ID: 2933354). Algorithms developed to predict the effect of sequence changes on RNA splicing suggest that this variant may disrupt the consensus splice site. In summary, the currently available evidence indicates that the variant is pathogenic, but additional data are needed to prove that conclusively. Therefore, this variant has been classified as Likely Pathogenic.

Literature cited by the submitters: PubMed 16199547; PubMed 16116423; PubMed 17033622; PubMed 21964575; PubMed 26689913.

NM_032043.3(BRIP1):c.1935+1G>A

Gene: BRIP1 (BRCA1 interacting DNA helicase 1; minus strand). Cytogenetic location: 17q23.2.
Variant type: single nucleotide variant.
Coding change: c.1935+1G>A on transcript NM_032043.3 (MANE Select); the canonical splice donor site of the intron after coding-DNA position 1935, G replaced by A.
Molecular consequence: splice donor variant.
Genome position (GRCh38, 1-based): chr17:61,780,260, C>T on the plus strand (G>A on the coding strand, the complement: BRIP1 is on the minus strand). VCF-style: chr17-61780260-C-T. GRCh37 (hg19) VCF-style: chr17-59857621-C-T.
Identifiers: ClinVar variation 2933354 (VCV002933354.3), dbSNP rs761015335, ClinGen allele CA8690634.